The following is an entry in ClinVar:

NM_004064.5(CDKN1B):c.425C>T (p.Thr142Met)

Gene: CDKN1B (cyclin dependent kinase inhibitor 1B; plus strand). Cytogenetic location: 12p13.1.
Variant type: single nucleotide variant.
Coding change: c.425C>T on transcript NM_004064.5 (MANE Select); coding-DNA position 425, C replaced by T.
Protein change: p.Thr142Met; replaces threonine 142 with methionine.
Molecular consequence: missense variant.
Genome position (GRCh38, 1-based): chr12:12,718,264, C>T. VCF-style: chr12-12718264-C-T. GRCh37 (hg19) VCF-style: chr12-12871198-C-T.
Other names: short protein forms T142M.
Identifiers: ClinVar variation 239621 (VCV000239621.14), dbSNP rs771115907, ClinGen allele CA6457494.

ClinVar aggregate classification (germline): Conflicting classifications of pathogenicity. Review status: criteria provided, conflicting classifications (1 of 4 stars). 3 submissions from 3 submitters: Uncertain significance (2); Benign (1). Last evaluated 2026-05-18.

Conditions:
CDKN1B-related disorder. Also called: CDKN1B-related condition.
Hereditary cancer-predisposing syndrome. Also called: Neoplastic Syndromes, Hereditary; Hereditary neoplastic syndrome; Hereditary Cancer Syndrome; Tumor predisposition. Identifiers: Orphanet 140162, MedGen C0027672, MeSH D009386, MONDO:0015356.
Multiple endocrine neoplasia type 4. Also called: MULTIPLE ENDOCRINE NEOPLASIA, TYPE IV. Identifiers: Orphanet 276152, MedGen C1970712, MONDO:0012552, OMIM 610755.

Allele frequency attached by ClinVar (database versions not stated): gnomAD 0.00003.
gnomAD v4.1: 31 of 1,568,634 alleles (0.002%); highest among the groups gnomAD compares: African/African-American, 0.0027%; no homozygotes.

Submissions (3):

PreventionGenetics, part of Exact Sciences
Classification: Uncertain significance for CDKN1B-related condition. Last evaluated: 2026-05-18. Review status: criteria provided, single submitter. Criteria: ACMG Guidelines, 2015. Collection method: clinical testing. Allele origin: germline.
Comment: The CDKN1B c.425C>T variant is predicted to result in the amino acid substitution p.Thr142Met. To our knowledge, this variant has not been reported in the literature. This variant is reported in 0.0063% of alleles in individuals of European (Non-Finnish) descent in gnomAD. This variant has conflicting interpretations in ClinVar ranging from uncertain to likely benign (Variation ID: 239621). At this time, the clinical significance of this variant is uncertain due to the absence of conclusive functional and genetic evidence.

Labcorp Genetics (formerly Invitae), Labcorp
Classification: Uncertain significance for Multiple endocrine neoplasia type 4. Last evaluated: 2024-10-30. Review status: criteria provided, single submitter. Criteria: Invitae Variant Classification Sherloc (09022015). Collection method: clinical testing. Allele origin: germline.
Comment: This sequence change replaces threonine, which is neutral and polar, with methionine, which is neutral and non-polar, at codon 142 of the CDKN1B protein (p.Thr142Met). This variant is present in population databases (rs771115907, gnomAD 0.006%). This variant has not been reported in the literature in individuals affected with CDKN1B-related conditions. ClinVar contains an entry for this variant (Variation ID: 239621). An algorithm developed to predict the effect of missense changes on protein structure and function (PolyPhen-2) suggests that this variant is likely to be disruptive. In summary, the available evidence is currently insufficient to determine the role of this variant in disease. Therefore, it has been classified as a Variant of Uncertain Significance.

Ambry Genetics
Classification: Benign for Hereditary cancer-predisposing syndrome. Last evaluated: 2024-01-05. Review status: criteria provided, single submitter. Criteria: Ambry Variant Classification Scheme 2023. Collection method: clinical testing. Allele origin: germline.